The following is an entry in ClinVar:

ClinVar aggregate classification (germline): Uncertain significance (1 of 4 stars; one submission).

Conditions:
SLC34A1-related disorder. Also called: SLC34A1-related condition; SLC34A1-related disorders.

gnomAD v4.1: 10 of 1,614,050 alleles (0.00062%); highest among the groups gnomAD compares: South Asian, 0.011%; no homozygotes.

Submission:

PreventionGenetics, part of Exact Sciences
Classification: Uncertain significance for SLC34A1-related condition. Last evaluated: 2026-02-18. Review status: criteria provided, single submitter. Criteria: ACMG Guidelines, 2015. Collection method: clinical testing. Allele origin: germline.
Comment: The SLC34A1 c.1556T>G variant is predicted to result in the amino acid substitution p.Leu519Arg. To our knowledge, this variant has not been reported in the literature. This variant is reported in 0.0065% of alleles in individuals of South Asian descent in gnomAD. At this time, the clinical significance of this variant is uncertain due to the absence of conclusive functional and genetic evidence.

NM_003052.5(SLC34A1):c.1556T>G (p.Leu519Arg)

Gene: SLC34A1 (solute carrier family 34 member 1; plus strand). Cytogenetic location: 5q35.3.
Variant type: single nucleotide variant.
Coding change: c.1556T>G on transcript NM_003052.5 (MANE Select); coding-DNA position 1556, T replaced by G.
Protein change: p.Leu519Arg; replaces leucine 519 with arginine.
Molecular consequence: missense variant.
Genome position (GRCh38, 1-based): chr5:177,397,922, T>G. VCF-style: chr5-177397922-T-G. GRCh37 (hg19) VCF-style: chr5-176824923-T-G.
Other names: short protein forms L519R.
Identifiers: ClinVar variation 4980606 (VCV004980606.1).
Genomic context (GRCh38, chr5:177,397,922, plus strand): 5'-GCATGGCCAAGGCGCTGGGGAAACGCACGGCCAAGTACCGCTGGTTTGCCGTCCTCTATC[T>G]CCTTGTCTGCTTCCTGCTGCTGCCCTCACTGGTGTTTGGCATCTCCATGGCAGGCTGGCA-3'
Protein context (NP_003043.3, residues 509-529): AKYRWFAVLY[Leu519Arg]LVCFLLLPSL